The following is an entry in ClinVar:

ClinVar aggregate classification (germline): Benign. Review status: criteria provided, multiple submitters, no conflicts (2 of 4 stars). 5 submissions from 5 submitters: Benign (4). 1 of the submissions does not count toward it. Last evaluated 2026-01-31.

Conditions:
Deficiency of acetyl-CoA acetyltransferase. Also called: Beta-ketothiolase deficiency; 3-KETOTHIOLASE DEFICIENCY; 3-OXOTHIOLASE DEFICIENCY; MITOCHONDRIAL ACETOACETYL-CoA THIOLASE DEFICIENCY. Identifiers: Orphanet 134, MedGen C1536500, MONDO:0008760, OMIM 203750. Disease mechanism: loss of function.

Allele frequency attached by ClinVar (database versions not stated): gnomAD exomes 0.00098 and 0.00237; ExAC 0.00297; gnomAD 0.00896 and 0.00941; ESP Exome Variant Server 0.00992; TOPMed 0.01025; 1000 Genomes Project 0.01098; 1000 Genomes Project 30x 0.01327.
gnomAD v4.1: 2,551 of 1,383,334 alleles (0.18%); highest among the groups gnomAD compares: African/African-American, 3.4%; 42 homozygotes.

Submissions (5):

Labcorp Genetics (formerly Invitae), Labcorp
Classification: Benign for Deficiency of acetyl-CoA acetyltransferase. Last evaluated: 2026-01-31. Review status: criteria provided, single submitter. Criteria: Invitae Variant Classification Sherloc (09022015). Collection method: clinical testing. Allele origin: germline.

ARUP Laboratories, Molecular Genetics and Genomics, ARUP Laboratories
Classification: Benign for Deficiency of acetyl-CoA acetyltransferase. Last evaluated: 2022-09-13. Review status: criteria provided, single submitter. Criteria: ARUP Molecular Germline Variant Investigation Process 2021. Collection method: clinical testing. Allele origin: germline.

Illumina Laboratory Services, Illumina
Classification: Benign for Deficiency of acetyl-CoA acetyltransferase. Last evaluated: 2018-01-12. Review status: criteria provided, single submitter. Criteria: ICSL Variant Classification Criteria 13 December 2019. Collection method: clinical testing. Allele origin: germline.
Comment: This variant was observed in the ICSL laboratory as part of a predisposition screen in an ostensibly healthy population. It had not been previously curated by ICSL or reported in the Human Gene Mutation Database (HGMD: prior to June 1st, 2018), and was therefore a candidate for classification through an automated scoring system. Utilizing variant allele frequency, disease prevalence and penetrance estimates, and inheritance mode, an automated score was calculated to assess if this variant is too frequent to cause the disease. Based on the score and internal cut-off values, a variant classified as benign is not then subjected to further curation. The score for this variant resulted in a classification of benign for this disease.

Breakthrough Genomics
Classification: Benign. Review status: criteria provided, single submitter. Criteria: ACMG Guidelines, 2015. Collection method: not provided. Allele origin: germline. Inheritance: Autosomal recessive inheritance. Affected: yes.

Natera, Inc.
Classification: Benign for Alpha-methylacetoacetic aciduria. Last evaluated: 2020-09-16. Review status: no assertion criteria provided. Collection method: clinical testing. Allele origin: germline. Not counted in ClinVar's aggregate classification.

NM_000019.4(ACAT1):c.978A>C (p.Pro326=)

Gene: ACAT1 (acetyl-CoA acetyltransferase 1; plus strand). Cytogenetic location: 11q22.3.
Variant type: single nucleotide variant.
Coding change: c.978A>C on transcript NM_000019.4 (MANE Select); coding-DNA position 978, A replaced by C.
Protein change: p.Pro326=; no amino-acid change (proline 326 retained).
Molecular consequence: synonymous variant.
Genome position (GRCh38, 1-based): chr11:108,144,020, A>C. VCF-style: chr11-108144020-A-C. GRCh37 (hg19) VCF-style: chr11-108014747-A-C.
Other names: c.978A>C, p.Pro326= (LRG_1400t1).
Identifiers: ClinVar variation 302204 (VCV000302204.19), dbSNP rs73559264, ClinGen allele CA6263323.
Genomic context (GRCh38, chr11:108,144,020, plus strand): 5'-CCCCCCCCCCTTTTTTTAAACAGCATTTGCTGACGCTGCTGTAGAACCTATTGATTTTCC[A>C]ATTGCTCCTGTATATGCTGCATCTATGGTGAGAACAAAGTGAGGGGCGATACTCCATTAT-3'
Protein context (NP_000010.1, residues 316-336): ADAAVEPIDF[Pro326=]IAPVYAASMV